The following is an entry in ClinVar:

NM_000233.4(LHCGR):c.866+8G>A

Genes: STON1-GTF2A1L (STON1-GTF2A1L readthrough; plus strand), LHCGR (luteinizing hormone/choriogonadotropin receptor; minus strand). Cytogenetic location: 2p16.3.
Variant type: single nucleotide variant.
Coding change: c.866+8G>A on transcript NM_000233.4 (MANE Select); 8 bases into the intron after coding-DNA position 866, G replaced by A.
Molecular consequence: intron variant.
Genome position (GRCh38, 1-based): chr2:48,698,607, C>T on the plus strand (G>A on the coding strand, the complement: LHCGR is on the minus strand). VCF-style: chr2-48698607-C-T. GRCh37 (hg19) VCF-style: chr2-48925746-C-T.
Other names: c.3441+26927C>T (NM_001198593.2).
Identifiers: ClinVar variation 255608 (VCV000255608.21), dbSNP rs6755901, ClinGen allele CA1653154.
Genomic context (GRCh38, chr2:48,698,607, plus strand): 5'-ATTGACTATTTTGAAATCTGAATTTCTGCCACAGCTTGGGTAGGCTTTACCTTTTGGTTT[C>T]TACTTACTCTTTTGTTGGCAAGTTTCTAAAAGCACAGCAGTGGCTGGGGTAAGTCAACGT-3'

ClinVar aggregate classification (germline): Benign. Review status: criteria provided, multiple submitters, no conflicts (2 of 4 stars). 10 submissions from 9 submitters: Benign (7). 3 of the submissions do not count toward it. Last evaluated 2026-02-03.

Conditions:
Gonadotropin-independent familial sexual precocity. Also called: TESTOTOXICOSIS, FAMILIAL; Familial male-limited precocious puberty. Identifiers: Orphanet 3000, MedGen C0342549, MONDO:0008303, OMIM 176410.
Leydig cell agenesis. Also called: Leydig cell hypoplasia, type 1; LEYDIG CELL HYPOPLASIA WITH MALE PSEUDOHERMAPHRODITISM; LEYDIG CELL HYPOPLASIA, COMPLETE; HYPERGONADOTROPIC HYPOGONADISM, MALE, DUE TO LHCGR DEFECT. Identifiers: MedGen C0266432, MONDO:0009384, OMIM 238320.

Allele frequency attached by ClinVar (database versions not stated): 1000 Genomes Project 0.73742; 1000 Genomes Project 30x 0.74297; gnomAD exomes 0.75220 and 0.82047; ExAC 0.76565; TOPMed 0.80328; gnomAD 0.80530 and 0.81104; ESP Exome Variant Server 0.85238.
gnomAD v4.1: 1,319,797 of 1,612,146 alleles (82%); highest among the groups gnomAD compares: African/African-American, 86%; 546,775 homozygotes.

Submissions (10):

Labcorp Genetics (formerly Invitae), Labcorp
Classification: Benign. Last evaluated: 2026-02-03. Review status: criteria provided, single submitter. Criteria: Invitae Variant Classification Sherloc (09022015). Collection method: clinical testing. Allele origin: germline.

Illumina Laboratory Services, Illumina
Classification: Benign for Gonadotropin-independent familial sexual precocity. Last evaluated: 2018-01-13. Review status: criteria provided, single submitter. Criteria: ICSL Variant Classification Criteria 13 December 2019. Collection method: clinical testing. Allele origin: germline.
Comment: This variant was observed in the ICSL laboratory as part of a predisposition screen in an ostensibly healthy population. It had not been previously curated by ICSL or reported in the Human Gene Mutation Database (HGMD: prior to June 1st, 2018), and was therefore a candidate for classification through an automated scoring system. Utilizing variant allele frequency, disease prevalence and penetrance estimates, and inheritance mode, an automated score was calculated to assess if this variant is too frequent to cause the disease. Based on the score and internal cut-off values, a variant classified as benign is not then subjected to further curation. The score for this variant resulted in a classification of benign for this disease.

Illumina Laboratory Services, Illumina
Classification: Benign for Leydig cell agenesis. Last evaluated: 2018-01-13. Review status: criteria provided, single submitter. Criteria: ICSL Variant Classification Criteria 13 December 2019. Collection method: clinical testing. Allele origin: germline.
Comment: the same text as in the submission from Illumina Laboratory Services, Illumina above.

Athena Diagnostics
Classification: Benign. Last evaluated: 2017-07-26. Review status: criteria provided, single submitter. Criteria: Athena Diagnostics Criteria. Collection method: clinical testing. Allele origin: germline.

GeneDx
Classification: Benign. Last evaluated: 2015-03-03. Review status: criteria provided, single submitter. Criteria: GeneDx Variant Classification Process June 2021. Collection method: clinical testing. Allele origin: germline. Affected: yes.

Breakthrough Genomics
Classification: Benign. Review status: criteria provided, single submitter. Criteria: ACMG Guidelines, 2015. Collection method: not provided. Allele origin: germline. Inheritance: Autosomal recessive inheritance. Affected: yes.

PreventionGenetics, part of Exact Sciences
Classification: Benign. Review status: criteria provided, single submitter. Criteria: ACMG Guidelines, 2015. Collection method: clinical testing. Allele origin: germline.

Clinical Genetics DNA and cytogenetics Diagnostics Lab, Erasmus MC, Erasmus Medical Center
Classification: Benign. Review status: no assertion criteria provided. Collection method: clinical testing. Allele origin: germline. Affected: yes. Study: VKGL Data-share Consensus. Not counted in ClinVar's aggregate classification.

Diagnostic Laboratory, Department of Genetics, University Medical Center Groningen
Classification: Benign. Review status: no assertion criteria provided. Collection method: clinical testing. Allele origin: germline. Affected: yes. Study: VKGL Data-share Consensus. Not counted in ClinVar's aggregate classification.

Joint Genome Diagnostic Labs from Nijmegen and Maastricht, Radboudumc and MUMC+
Classification: Benign. Review status: no assertion criteria provided. Collection method: clinical testing. Allele origin: germline. Affected: yes. Study: VKGL Data-share Consensus. Not counted in ClinVar's aggregate classification.